The following is an entry in ClinVar:

NM_017534.6(MYH2):c.1792G>A (p.Glu598Lys)

Genes: MYHAS (myosin heavy chain gene cluster antisense RNA; plus strand), MYH2 (myosin heavy chain 2; minus strand). Cytogenetic location: 17p13.1.
Variant type: single nucleotide variant.
Coding change: c.1792G>A on transcript NM_017534.6 (MANE Select); coding-DNA position 1792, G replaced by A.
Protein change: p.Glu598Lys; replaces glutamic acid 598 with lysine.
Molecular consequence: missense variant.
Genome position (GRCh38, 1-based): chr17:10,537,338, C>T on the plus strand (G>A on the coding strand, the complement: MYH2 is on the minus strand). VCF-style: chr17-10537338-C-T. GRCh37 (hg19) VCF-style: chr17-10440655-C-T.
Other names: c.1792G>A, p.Glu598Lys (NM_001100112.2); short protein forms E598K.
Identifiers: ClinVar variation 499533 (VCV000499533.15), dbSNP rs1555571267, ClinGen allele CA398155188.
Genomic context (GRCh38, chr17:10,537,338, plus strand): 5'-TCATTGCAGACTTCTGGTACAGTCCAACCACGGTCTCATTCAGGGGGTCCTTGTTCTTCT[C>T]CAGCCAGCCAGTAATGTTGTAGTCCACAACACCAGCATAGTGAATCAGAGCGAAGTGGGC-3'
Protein context (NP_060004.3, residues 588-608): VVDYNITGWL[Glu598Lys]KNKDPLNETV

ClinVar aggregate classification (germline): Uncertain significance. Review status: criteria provided, multiple submitters, no conflicts (2 of 4 stars). 5 submissions from 5 submitters: Uncertain significance (4). 1 of the submissions does not count toward it. Last evaluated 2025-10-28.

Conditions:
MYH2-related disorder. Also called: MYH2-related condition.
Myopathy, proximal, and ophthalmoplegia (CMYO6). Also called: CONGENITAL MYOPATHY 6 WITH OPHTHALMOPLEGIA; MYOPATHY WITH CONGENITAL JOINT CONTRACTURES, OPHTHALMOPLEGIA, AND RIMMED VACUOLES; INCLUSION BODY MYOPATHY 3, AUTOSOMAL DOMINANT. Identifiers: Orphanet 363677, Orphanet 79091, MedGen C1854106, MONDO:0011577, OMIM 605637.

gnomAD v4.1: 1 of 1,614,206 alleles (0.000062%); highest among the groups gnomAD compares: Non-Finnish European, 0.000085%; no homozygotes.

Submissions (5):

Labcorp Genetics (formerly Invitae), Labcorp
Classification: Uncertain significance for Myopathy, proximal, and ophthalmoplegia. Last evaluated: 2025-10-28. Review status: criteria provided, single submitter. Criteria: Invitae Variant Classification Sherloc (09022015). Collection method: clinical testing. Allele origin: germline.
Comment: This sequence change replaces glutamic acid, which is acidic and polar, with lysine, which is basic and polar, at codon 598 of the MYH2 protein (p.Glu598Lys). This variant is not present in population databases (gnomAD no frequency). This missense change has been observed in individual(s) with clinical features of autosomal dominant myopathy (internal data). It has also been observed to segregate with disease in related individuals. ClinVar contains an entry for this variant (Variation ID: 499533). Invitae Evidence Modeling of protein sequence and biophysical properties (such as structural, functional, and spatial information, amino acid conservation, physicochemical variation, residue mobility, and thermodynamic stability) indicates that this missense variant is not expected to disrupt MYH2 protein function with a negative predictive value of 80%. In summary, the available evidence is currently insufficient to determine the role of this variant in disease. Therefore, it has been classified as a Variant of Uncertain Significance.

Neuberg Centre For Genomic Medicine, NCGM
Classification: Uncertain significance for Myopathy, proximal, and ophthalmoplegia. Last evaluated: 2023-06-22. Review status: criteria provided, single submitter. Criteria: ACMG Guidelines, 2015. Collection method: clinical testing. Allele origin: germline. Inheritance: Autosomal dominant inheritance. Affected: yes.
Comment: The missense c.1792G>A (p.Glu598Lys) variant in MYH2 gene has not been reported previously as a pathogenic variant nor as a benign variant, to our knowledge. The p.Glu598Lys variant is absent in gnomAD Exomes. This variant has been submitted to the ClinVar database as Uncertain Significance (multiple submission). Multiple lines of computational evidence (Polyphen - Benign, SIFT - Damaging and MutationTaster - Disease causing) predicts conflicting evidence on protein structure and function for this variant. The reference amino acid at this position on MYH2 gene is predicted as conserved by GERP++ and PhyloP across 100 vertebrates. The amino acid Glu at position 598 is changed to a Lys changing protein sequence and it might alter its composition and physico-chemical properties. For these reasons, this variant has been classified as Variant of Uncertain Significance (VUS). The missense c.1792G>A (p.Glu598Lys) variant in MYH2 gene has not been reported previously as a pathogenic variant nor as a benign variant, to our knowledge. The p.Glu598Lys variant is absent in gnomAD Exomes. This variant has been submitted to the ClinVar database as Uncertain Significance (multiple submission). Multiple lines of computational evidence (Polyphen - Benign, SIFT - Damaging and MutationTaster - Disease causing) predicts conflicting evidence on protein structure and function for this variant. The reference amino acid at this position on MYH2 gene is predicted as conserved by GERP++ and PhyloP across 100 vertebrates. The amino acid Glu at position 598 is changed to a Lys changing protein sequence and it might alter its composition and physico-chemical properties. For these reasons, this variant has been classified as Variant of Uncertain Significance (VUS).

Revvity Omics, Revvity
Classification: Uncertain significance for Myopathy, proximal, and ophthalmoplegia. Last evaluated: 2019-08-01. Review status: criteria provided, single submitter. Criteria: ACMG Guidelines, 2015. Collection method: clinical testing. Allele origin: germline.

Eurofins Ntd Llc (ga)
Classification: Uncertain significance. Last evaluated: 2017-01-17. Review status: criteria provided, single submitter. Criteria: EGL Classification Definitions 2015. Collection method: clinical testing. Allele origin: germline. Observed: 1 variant allele, 1 heterozygote.

PreventionGenetics, part of Exact Sciences
Classification: Likely pathogenic for MYH2-related condition. Last evaluated: 2024-04-22. Review status: no assertion criteria provided. Collection method: clinical testing. Allele origin: germline. Not counted in ClinVar's aggregate classification.
Comment: The MYH2 c.1792G>A variant is predicted to result in the amino acid substitution p.Glu598Lys. This variant was found in multiple members of a family that underwent testing for inclusion body myositis; the family was previously the subject of study demonstrating an autosomal dominant mode of inheritance for inclusion body myositis (internal data; Neville et al. 1992. PubMed ID: 1314344). This variant was also shown to segregate in another family with a chronic inflammatory myopathy and suggestive inclusion body myositis (pedigree LGMD2377 in an unpublished dissertation). This variant has not been reported in a large population database, indicating this variant is rare. This variant is interpreted as likely pathogenic.